The following is an entry in ClinVar:

ClinVar aggregate classification (germline): Benign/Likely benign. Review status: criteria provided, multiple submitters, no conflicts (2 of 4 stars). 5 submissions from 5 submitters: Benign (1); Likely benign (3). 1 of the submissions does not count toward it. Last evaluated 2024-12-20.

Conditions:
Hereditary nonpolyposis colorectal neoplasms. Identifiers: MedGen C0009405, MeSH D003123.
MSH6-related disorder. Also called: MSH6-related condition; MSH6-Related disorders.
Mismatch repair cancer syndrome 3. Identifiers: MedGen C5436807, MONDO:0030841, OMIM 619097.
Endometrial carcinoma. Also called: Endometrial carcinoma, somatic. Identifiers: MedGen C0476089, MONDO:0002447, OMIM 608089, HP:0012114.
Lynch syndrome 5 (LYNCH5). Also called: Colorectal cancer, hereditary nonpolyposis, type 5; Hereditary non-polyposis colorectal cancer, type 5. Identifiers: Orphanet 144, MedGen C1833477, MONDO:0013710, OMIM 614350. Disease mechanism: loss of function.
Hereditary cancer-predisposing syndrome. Also called: Tumor predisposition; Hereditary Cancer Syndrome; Neoplastic Syndromes, Hereditary; Hereditary neoplastic syndrome. Identifiers: Orphanet 140162, MedGen C0027672, MeSH D009386, MONDO:0015356.

Allele frequency attached by ClinVar (database versions not stated): gnomAD exomes below 0.00001.
gnomAD v4.1: 3 of 1,614,156 alleles (0.00019%); highest among the groups gnomAD compares: South Asian, 0.0011%; no homozygotes.

Submissions (5):

Myriad Genetics, Inc.
Classification: Benign for Lynch syndrome 5. Last evaluated: 2024-12-20. Review status: criteria provided, single submitter. Criteria: Myriad Autosomal Dominant, Autosomal Recessive and X-Linked Classification Criteria (2023). Collection method: clinical testing. Allele origin: unknown.
Comment: This variant is considered benign. This variant is a silent/synonymous amino acid change and it is not expected to impact splicing.

Labcorp Genetics (formerly Invitae), Labcorp
Classification: Likely benign for Hereditary nonpolyposis colorectal neoplasms. Last evaluated: 2024-07-10. Review status: criteria provided, single submitter. Criteria: Invitae Variant Classification Sherloc (09022015). Collection method: clinical testing. Allele origin: germline.

Department of Pathology and Laboratory Medicine, Sinai Health System
Classification: Likely benign for Endometrial carcinoma; Lynch syndrome 5; Mismatch repair cancer syndrome 3. Last evaluated: 2020-11-09. Review status: criteria provided, single submitter. Criteria: ACMG Guidelines, 2015. Collection method: clinical testing. Allele origin: germline. Affected: no.

Ambry Genetics
Classification: Likely benign for Hereditary cancer-predisposing syndrome. Last evaluated: 2019-08-30. Review status: criteria provided, single submitter. Criteria: Ambry Variant Classification Scheme 2023. Collection method: clinical testing. Allele origin: germline.

PreventionGenetics, part of Exact Sciences
Classification: Likely benign for MSH6-related condition. Last evaluated: 2021-11-03. Review status: no assertion criteria provided. Collection method: clinical testing. Allele origin: germline. Not counted in ClinVar's aggregate classification.
Comment: This variant is classified as likely benign based on ACMG/AMP sequence variant interpretation guidelines (Richards et al. 2015 PMID: 25741868, with internal and published modifications).

NM_000179.3(MSH6):c.882C>G (p.Val294=)

Gene: MSH6 (mutS homolog 6; plus strand). Cytogenetic location: 2p16.3.
Variant type: single nucleotide variant.
Coding change: c.882C>G on transcript NM_000179.3 (MANE Select); coding-DNA position 882, C replaced by G.
Protein change: p.Val294=; no amino-acid change (valine 294 retained).
Molecular consequence: synonymous variant. On other transcripts: 5 prime UTR variant (2).
Genome position (GRCh38, 1-based): chr2:47,798,865, C>G. VCF-style: chr2-47798865-C-G. GRCh37 (hg19) VCF-style: chr2-48026004-C-G.
Other names: c.492C>G, p.Val164= (NM_001281492.2); c.-25C>G (NM_001281493.2, NM_001281494.2).
Identifiers: ClinVar variation 822759 (VCV000822759.17), dbSNP rs1572720691, ClinGen allele CA426120959.